The following is an entry in ClinVar:

NM_002397.5(MEF2C):c.1072A>G (p.Met358Val)

Gene: MEF2C (myocyte enhancer factor 2C; minus strand). Cytogenetic location: 5q14.3.
Variant type: single nucleotide variant.
Coding change: c.1072A>G on transcript NM_002397.5 (MANE Select); coding-DNA position 1072, A replaced by G.
Protein change: p.Met358Val; replaces methionine 358 with valine.
Molecular consequence: missense variant.
Genome position (GRCh38, 1-based): chr5:88,728,521, T>C on the plus strand (A>G on the coding strand, the complement: MEF2C is on the minus strand). VCF-style: chr5-88728521-T-C. GRCh37 (hg19) VCF-style: chr5-88024338-T-C.
Other names: c.1072A>G, p.Met358Val (NM_001364330.2, NM_001364331.2, NM_001364334.2 and 9 more transcripts); c.928A>G, p.Met310Val (NM_001364332.2, NM_001364354.2, NM_001364355.2 and 2 more transcripts); c.1048A>G, p.Met350Val (NM_001364333.2, NM_001364349.2, NM_001364350.2 and 6 more transcripts); c.1102A>G, p.Met368Val (NM_001364338.2, NM_001193347.1); c.1042A>G, p.Met348Val (NM_001364352.2, NM_001131005.2, NM_001364343.2); c.694A>G, p.Met232Val (NM_001364353.2, NM_001364356.2); c.622A>G, p.Met208Val (NM_001364357.2); c.904A>G, p.Met302Val (NM_001193348.1); short protein forms M208V, M310V, M358V, M350V, M368V, M348V, M232V, M302V.
Identifiers: ClinVar variation 2585163 (VCV002585163.1), dbSNP rs2546945878, ClinGen allele CA360422544.

ClinVar aggregate classification (germline): Uncertain significance (1 of 4 stars; one submission).

Conditions:
Neurodevelopmental disorder with hypotonia, stereotypic hand movements, and impaired language. Also called: Intellectual disability, autosomal dominant 20. Identifiers: Orphanet 228384, Orphanet 664410, MedGen C3150700, MONDO:0013266, OMIM 613443.

Allele frequency attached by ClinVar (database versions not stated): gnomAD exomes below 0.00001.
gnomAD v4.1: 1 of 1,525,550 alleles (0.000066%); highest among the groups gnomAD compares: Non-Finnish European, 0.000088%; no homozygotes.

Submission:

Neuberg Centre For Genomic Medicine, NCGM
Classification: Uncertain significance for Neurodevelopmental disorder with hypotonia, stereotypic hand movements, and impaired language. Review status: criteria provided, single submitter. Criteria: ACMG Guidelines, 2015. Collection method: clinical testing. Allele origin: germline. Inheritance: Autosomal dominant inheritance. Affected: yes.
Comment: The missense variant c.1072A>G (p.Met358Val) in MEF2C gene has not been reported previously as a pathogenic variant nor as a benign variant, to our knowledge. The p.Met358Val variant is novel (not in any individuals) in gnomAD Exomes and 1000 Genomes. The amino acid Met at position 358 is changed to a Val changing protein sequence and it might alter its composition and physico-chemical properties. The amino acid change p.Met358Val in MEF2C is predicted as conserved by GERP++ and PhyloP across 100 vertebrates. For these reasons, this variant has been classified as Variant of Uncertain Significance (VUS).